The following is an entry in ClinVar:

ClinVar aggregate classification (germline): Uncertain significance (1 of 4 stars; one submission).

Conditions:
Amyotrophic lateral sclerosis type 15. Also called: AMYOTROPHIC LATERAL SCLEROSIS 15 WITH FRONTOTEMPORAL DEMENTIA. Identifiers: Orphanet 803, MedGen C3275459, MONDO:0010459, OMIM 300857.

Submission:

Labcorp Genetics (formerly Invitae), Labcorp
Classification: Uncertain significance for Amyotrophic lateral sclerosis type 15. Last evaluated: 2024-10-16. Review status: criteria provided, single submitter. Criteria: Invitae Variant Classification Sherloc (09022015). Collection method: clinical testing. Allele origin: germline.
Comment: This sequence change replaces glutamine, which is neutral and polar, with histidine, which is basic and polar, at codon 173 of the UBQLN2 protein (p.Gln173His). This variant is present in population databases (rs756322518, gnomAD 0.003%), including at least one homozygous and/or hemizygous individual. This variant has not been reported in the literature in individuals affected with UBQLN2-related conditions. Invitae Evidence Modeling of protein sequence and biophysical properties (such as structural, functional, and spatial information, amino acid conservation, physicochemical variation, residue mobility, and thermodynamic stability) indicates that this missense variant is not expected to disrupt UBQLN2 protein function with a negative predictive value of 80%. In summary, the available evidence is currently insufficient to determine the role of this variant in disease. Therefore, it has been classified as a Variant of Uncertain Significance.

NM_013444.4(UBQLN2):c.519G>C (p.Gln173His)

Genes: UBQLN2 (ubiquilin 2; plus strand), LOC130068339 (ATAC-STARR-seq lymphoblastoid active region 29687; plus strand). Cytogenetic location: Xp11.21.
Variant type: single nucleotide variant.
Coding change: c.519G>C on transcript NM_013444.4 (MANE Select); coding-DNA position 519, G replaced by C.
Protein change: p.Gln173His; replaces glutamine 173 with histidine.
Molecular consequence: missense variant.
Genome position (GRCh38, 1-based): chrX:56,564,392, G>C. VCF-style: chrX-56564392-G-C. GRCh37 (hg19) VCF-style: chrX-56590825-G-C.
Other names: short protein forms Q173H.
Identifiers: ClinVar variation 3658475 (VCV003658475.2).